The following is an entry in ClinVar:

NM_000038.6(APC):c.522_523del (p.Leu174fs)

Gene: APC (APC regulator of Wnt signaling pathway; plus strand). Cytogenetic location: 5q22.2.
Variant type: Deletion.
Coding change: c.522_523del on transcript NM_000038.6 (MANE Select); coding-DNA positions 522 to 523, 2 bases deleted (AA; older notation c.522_523delAA).
Protein change: p.Leu174fs; shifts the reading frame from leucine 174.
Molecular consequence: frameshift variant. On other transcripts: 5 prime UTR variant (1).
Genome position (GRCh38, 1-based): chr5:112,775,728-112,775,729, AA deleted. VCF-style (leftmost placement, unchanged base first): chr5-112775727-TAA-T. GRCh37 (hg19) VCF-style: chr5-112111424-TAA-T.
Other names: c.522_523del, p.Leu174fs (NM_001127510.3, NM_001354895.2, NM_001354896.2 and 2 more transcripts); c.552_553del, p.Leu184fs (NM_001127511.3, NM_001354897.2, NM_001354902.2); c.447_448del, p.Leu149fs (NM_001354898.2, NM_001354904.2); c.345_346del, p.Leu115fs (NM_001354900.2, NM_001354901.2, NM_001354905.2); c.-514_-513del (NM_001354906.2); short protein forms L149fs, L115fs, L174fs, L184fs.
Identifiers: ClinVar variation 851475 (VCV000851475.9), dbSNP rs1757572270, ClinGen allele CA916080345.

ClinVar aggregate classification (germline): Pathogenic (1 of 4 stars; one submission).

Conditions:
Familial adenomatous polyposis 1 (FAP1). Also called: FAMILIAL ADENOMATOUS POLYPOSIS 1, ATTENUATED; POLYPOSIS, ADENOMATOUS INTESTINAL. Identifiers: MedGen C2713442, MONDO:0021056, OMIM 175100. Disease mechanism: loss of function.

Submission:

Labcorp Genetics (formerly Invitae), Labcorp
Classification: Pathogenic for Familial adenomatous polyposis 1. Last evaluated: 2019-05-27. Review status: criteria provided, single submitter. Criteria: Invitae Variant Classification Sherloc (09022015). Collection method: clinical testing. Allele origin: germline.
Comment: For these reasons, this variant has been classified as Pathogenic. This sequence change creates a premature translational stop signal (p.Leu174Phefs*2) in the APC gene. It is expected to result in an absent or disrupted protein product. This variant is not present in population databases (ExAC no frequency). This variant has not been reported in the literature in individuals with APC-related conditions. Loss-of-function variants in APC are known to be pathogenic (PMID: 17963004, 20685668).

Literature cited by the submitters: PubMed 17963004; PubMed 20685668.